The following is an entry in ClinVar:

NM_004239.4(TRIP11):c.2931C>T (p.Thr977=)

Gene: TRIP11 (thyroid hormone receptor interactor 11; minus strand). Cytogenetic location: 14q32.12.
Variant type: single nucleotide variant.
Coding change: c.2931C>T on transcript NM_004239.4 (MANE Select); coding-DNA position 2931, C replaced by T.
Protein change: p.Thr977=; no amino-acid change (threonine 977 retained).
Molecular consequence: synonymous variant.
Genome position (GRCh38, 1-based): chr14:92,005,045, G>A on the plus strand (C>T on the coding strand, the complement: TRIP11 is on the minus strand). VCF-style: chr14-92005045-G-A. GRCh37 (hg19) VCF-style: chr14-92471389-G-A.
Other names: c.2928C>T, p.Thr976= (NM_001321851.1).
Identifiers: ClinVar variation 314952 (VCV000314952.29), dbSNP rs7152887, ClinGen allele CA7313702.

ClinVar aggregate classification (germline): Benign. Review status: criteria provided, multiple submitters, no conflicts (2 of 4 stars). 6 submissions from 6 submitters: Benign (6). Last evaluated 2026-02-01.

Conditions:
Connective tissue disorder. Also called: Connective tissue disease. Identifiers: MedGen C0009782, MONDO:0003900.
Achondrogenesis, type IA (ACG1A). Identifiers: Orphanet 932, Orphanet 93299, MedGen C0265273, MONDO:0008701, OMIM 200600.

Allele frequency attached by ClinVar (database versions not stated): gnomAD exomes 0.00314 and 0.00562; ExAC 0.00642; gnomAD 0.01310 and 0.01366; ESP Exome Variant Server 0.01430; TOPMed 0.01461; 1000 Genomes Project 30x 0.01811; 1000 Genomes Project 0.01857.
gnomAD v4.1: 6,649 of 1,613,840 alleles (0.41%); highest among the groups gnomAD compares: African/African-American, 4.2%; 101 homozygotes.

Submissions (6):

Labcorp Genetics (formerly Invitae), Labcorp
Classification: Benign for Achondrogenesis, type IA. Last evaluated: 2026-02-01. Review status: criteria provided, single submitter. Criteria: Invitae Variant Classification Sherloc (09022015). Collection method: clinical testing. Allele origin: germline.

ARUP Laboratories, Molecular Genetics and Genomics, ARUP Laboratories
Classification: Benign. Last evaluated: 2024-10-28. Review status: criteria provided, single submitter. Criteria: ARUP Molecular Germline Variant Investigation Process 2024. Collection method: clinical testing. Allele origin: germline.

Genome Diagnostics Laboratory, The Hospital for Sick Children
Classification: Benign for Connective tissue disorder. Last evaluated: 2021-04-05. Review status: criteria provided, single submitter. Criteria: ACMG Guidelines, 2015. Collection method: clinical testing. Allele origin: germline.

Illumina Laboratory Services, Illumina
Classification: Benign for Achondrogenesis, type IA. Last evaluated: 2018-01-13. Review status: criteria provided, single submitter. Criteria: ICSL Variant Classification Criteria 13 December 2019. Collection method: clinical testing. Allele origin: germline.
Comment: This variant was observed in the ICSL laboratory as part of a predisposition screen in an ostensibly healthy population. It had not been previously curated by ICSL or reported in the Human Gene Mutation Database (HGMD: prior to June 1st, 2018), and was therefore a candidate for classification through an automated scoring system. Utilizing variant allele frequency, disease prevalence and penetrance estimates, and inheritance mode, an automated score was calculated to assess if this variant is too frequent to cause the disease. Based on the score and internal cut-off values, a variant classified as benign is not then subjected to further curation. The score for this variant resulted in a classification of benign for this disease.

GeneDx
Classification: Benign. Last evaluated: 2016-06-24. Review status: criteria provided, single submitter. Criteria: GeneDx Variant Classification (06012015). Collection method: clinical testing. Allele origin: germline. Affected: yes.
Comment: This variant is considered likely benign or benign based on one or more of the following criteria: it is a conservative change, it occurs at a poorly conserved position in the protein, it is predicted to be benign by multiple in silico algorithms, and/or has population frequency not consistent with disease.

Breakthrough Genomics
Classification: Benign. Review status: criteria provided, single submitter. Criteria: ACMG Guidelines, 2015. Collection method: not provided. Allele origin: germline. Inheritance: Autosomal recessive inheritance. Affected: yes.